The following is an entry in ClinVar:

NM_001510.4(GRID2):c.2638C>T (p.Arg880Cys)

Gene: GRID2 (glutamate ionotropic receptor delta type subunit 2; plus strand). Cytogenetic location: 4q22.2.
Variant type: single nucleotide variant.
Coding change: c.2638C>T on transcript NM_001510.4 (MANE Select); coding-DNA position 2638, C replaced by T.
Protein change: p.Arg880Cys; replaces arginine 880 with cysteine.
Molecular consequence: missense variant.
Genome position (GRCh38, 1-based): chr4:93,772,112, C>T. VCF-style: chr4-93772112-C-T. GRCh37 (hg19) VCF-style: chr4-94693263-C-T.
Other names: p.Arg880Cys; c.2353C>T, p.Arg785Cys (NM_001286838.1); short protein forms R785C, R880C.
Identifiers: ClinVar variation 3379550 (VCV003379550.1).

ClinVar aggregate classification (germline): Uncertain significance (1 of 4 stars; one submission).

gnomAD v4.1: 23 of 1,611,598 alleles (0.0014%); highest among the groups gnomAD compares: African/African-American, 0.0027%; no homozygotes.

Submission:

Mayo Clinic Laboratories, Mayo Clinic
Classification: Uncertain significance. Last evaluated: 2024-05-31. Review status: criteria provided, single submitter. Criteria: ACMG Guidelines, 2015. Collection method: clinical testing. Allele origin: germline. Observed: 1 variant allele.
Comment: PM2